The following is an entry in ClinVar:

ClinVar aggregate classification (germline): Conflicting classifications of pathogenicity. Review status: criteria provided, conflicting classifications (1 of 4 stars). 5 submissions from 5 submitters: Uncertain significance (4); Likely benign (1). Last evaluated 2025-12-01.

Conditions:
Arrhythmogenic right ventricular dysplasia 11. Also called: Arrhythmogenic right ventricular dysplasia 11 with mild palmoplantar keratoderma and woolly hair; Arrhythmogenic Right Ventricular Dysplasia/Cardiomyopathy11; ARRHYTHMOGENIC RIGHT VENTRICULAR DYSPLASIA, FAMILIAL, 11. Identifiers: MedGen C1864850, MONDO:0012506, OMIM 610476.
Cardiovascular phenotype. Identifiers: MedGen CN230736.
Familial isolated arrhythmogenic right ventricular dysplasia. Identifiers: Orphanet 217656, MedGen C4274968, MONDO:0016342.

Allele frequency attached by ClinVar (database versions not stated): gnomAD 0.00002; TOPMed 0.00003; gnomAD exomes below 0.00001 and 0.00001; ExAC 0.00001.
gnomAD v4.1: 5 of 1,613,866 alleles (0.00031%); highest among the groups gnomAD compares: Admixed American, 0.0083%; no homozygotes.

Submissions (5):

Labcorp Genetics (formerly Invitae), Labcorp
Classification: Uncertain significance for Arrhythmogenic right ventricular dysplasia 11. Last evaluated: 2025-12-01. Review status: criteria provided, single submitter. Criteria: Invitae Variant Classification Sherloc (09022015). Collection method: clinical testing. Allele origin: germline.
Comment: This sequence change replaces glutamic acid, which is acidic and polar, with aspartic acid, which is acidic and polar, at codon 825 of the DSC2 protein (p.Glu825Asp). This variant is present in population databases (rs776401728, gnomAD 0.01%). This variant has not been reported in the literature in individuals affected with DSC2-related conditions. ClinVar contains an entry for this variant (Variation ID: 1460984). Invitae Evidence Modeling of protein sequence and biophysical properties (such as structural, functional, and spatial information, amino acid conservation, physicochemical variation, residue mobility, and thermodynamic stability) indicates that this missense variant is not expected to disrupt DSC2 protein function with a negative predictive value of 80%. In summary, the available evidence is currently insufficient to determine the role of this variant in disease. Therefore, it has been classified as a Variant of Uncertain Significance.

Ambry Genetics
Classification: Likely benign for Cardiovascular phenotype. Last evaluated: 2024-12-28. Review status: criteria provided, single submitter. Criteria: Ambry Variant Classification Scheme 2023. Collection method: clinical testing. Allele origin: germline.

GeneDx
Classification: Uncertain significance. Last evaluated: 2024-07-12. Review status: criteria provided, single submitter. Criteria: GeneDx Variant Classification Process June 2021. Collection method: clinical testing. Allele origin: germline. Affected: yes.
Comment: Not observed at significant frequency in large population cohorts (gnomAD); In silico analysis indicates that this missense variant does not alter protein structure/function; Has not been previously published as pathogenic or benign to our knowledge

All of Us Research Program, National Institutes of Health
Classification: Uncertain significance for Familial isolated arrhythmogenic right ventricular dysplasia. Last evaluated: 2024-06-11. Review status: criteria provided, single submitter. Criteria: ACMG Guidelines, 2015. Collection method: clinical testing. Allele origin: germline. Inheritance: Autosomal dominant inheritance. Observed: 5 variant alleles, 5 heterozygotes.
Comment: This missense variant replaces glutamic acid with aspartic acid at codon 825 of the DSC2 protein. Computational prediction suggests that this variant may not impact protein structure and function (internally defined REVEL score threshold <= 0.5, PMID: 27666373). To our knowledge, functional studies have not been reported for this variant. This variant has not been reported in individuals affected with DSC2-related disorders in the literature. This variant has been identified in 4/282390 chromosomes in the general population by the Genome Aggregation Database (gnomAD). The available evidence is insufficient to determine the role of this variant in disease conclusively. Therefore, this variant is classified as a Variant of Uncertain Significance.

This study involves interpretation of variants in research participants for the purpose of population health screening. Participant phenotype was not available at the time of variant classification. Additional details can be found in publication PMID: 35346344, PMCID: PMC8962531

Mayo Clinic Laboratories, Mayo Clinic
Classification: Uncertain significance. Last evaluated: 2023-04-26. Review status: criteria provided, single submitter. Criteria: ACMG Guidelines, 2015. Collection method: clinical testing. Allele origin: germline. Observed: 2 variant alleles.
Comment: BP4

NM_024422.6(DSC2):c.2475G>C (p.Glu825Asp)

Gene: DSC2 (desmocollin 2; minus strand). Cytogenetic location: 18q12.1.
Variant type: single nucleotide variant.
Coding change: c.2475G>C on transcript NM_024422.6 (MANE Select); coding-DNA position 2475, G replaced by C.
Protein change: p.Glu825Asp; replaces glutamic acid 825 with aspartic acid.
Molecular consequence: missense variant.
Genome position (GRCh38, 1-based): chr18:31,068,927, C>G on the plus strand (G>C on the coding strand, the complement: DSC2 is on the minus strand). VCF-style: chr18-31068927-C-G. GRCh37 (hg19) VCF-style: chr18-28648893-C-G.
Other names: p.Glu825Asp; c.2475G>C, p.Glu825Asp (NM_004949.5); c.2475G>C (NM_024422.3); short protein forms E825D.
Identifiers: ClinVar variation 1460984 (VCV001460984.12), dbSNP rs776401728, ClinGen allele CA036992.
Genomic context (GRCh38, chr18:31,068,927, plus strand): 5'-ATTTGTAGGCCACTTAGGAAAACTCACTTCACCAAGACGGGGCTGAGTAAAACTGTGCCA[C>G]TCCGAGTAAGTGTATCTGCAGTTGTCCACCTCCGTGTGTCCTCCCCTGCAGGAGTCCAGG-3'
Protein context (NP_077740.1, residues 815-835): EVDNCRYTYS[Glu825Asp]WHSFTQPRLG